The following is an entry in ClinVar:

NM_001292063.2(OTOG):c.2274C>T (p.Arg758=)

Gene: OTOG (otogelin; plus strand). Cytogenetic location: 11p15.1.
Variant type: single nucleotide variant.
Coding change: c.2274C>T on transcript NM_001292063.2 (MANE Select); coding-DNA position 2274, C replaced by T.
Protein change: p.Arg758=; no amino-acid change (arginine 758 retained).
Molecular consequence: synonymous variant.
Genome position (GRCh38, 1-based): chr11:17,573,271, C>T. VCF-style: chr11-17573271-C-T. GRCh37 (hg19) VCF-style: chr11-17594818-C-T.
Other names: p.Arg770=; c.2310C>T, p.Arg770= (NM_001277269.2).
Identifiers: ClinVar variation 226867 (VCV000226867.19), dbSNP rs16934404, ClinGen allele CA5905598.

ClinVar aggregate classification (germline): Benign/Likely benign. Review status: criteria provided, multiple submitters, no conflicts (2 of 4 stars). 8 submissions from 8 submitters: Benign (6); Likely benign (1). 1 of the submissions does not count toward it. Last evaluated 2026-02-03.

Conditions:
OTOG-related disorder. Also called: OTOG-related condition.

Allele frequency attached by ClinVar (database versions not stated): gnomAD exomes 0.00568 and 0.01765; ExAC 0.01635; gnomAD 0.02154 and 0.02185; TOPMed 0.02660; 1000 Genomes Project 0.03654; 1000 Genomes Project 30x 0.03779.
gnomAD v4.1: 11,311 of 1,528,074 alleles (0.74%); highest among the groups gnomAD compares: East Asian, 8.8%; 347 homozygotes.

Submissions (8):

Labcorp Genetics (formerly Invitae), Labcorp
Classification: Benign. Last evaluated: 2026-02-03. Review status: criteria provided, single submitter. Criteria: Invitae Variant Classification Sherloc (09022015). Collection method: clinical testing. Allele origin: germline.

Blueprint Genetics
Classification: Likely benign. Last evaluated: 2024-11-14. Review status: criteria provided, single submitter. Criteria: ACMG Guidelines, 2015. Collection method: clinical testing. Allele origin: germline.

Mayo Clinic Laboratories, Mayo Clinic
Classification: Benign. Last evaluated: 2022-04-17. Review status: criteria provided, single submitter. Criteria: ACMG Guidelines, 2015. Collection method: clinical testing. Allele origin: germline. Observed: 2 variant alleles.

Athena Diagnostics
Classification: Benign. Last evaluated: 2018-08-31. Review status: criteria provided, single submitter. Criteria: Athena Diagnostics Criteria. Collection method: clinical testing. Allele origin: germline.

GeneDx
Classification: Benign. Last evaluated: 2017-08-03. Review status: criteria provided, single submitter. Criteria: GeneDx Variant Classification (06012015). Collection method: clinical testing. Allele origin: germline. Affected: yes.
Comment: This variant is considered likely benign or benign based on one or more of the following criteria: it is a conservative change, it occurs at a poorly conserved position in the protein, it is predicted to be benign by multiple in silico algorithms, and/or has population frequency not consistent with disease.

Laboratory for Molecular Medicine, Mass General Brigham Personalized Medicine
Classification: Benign. Last evaluated: 2014-11-24. Review status: criteria provided, single submitter. Criteria: LMM Criteria. Collection method: clinical testing. Allele origin: germline. Observed: 45 variant alleles.
Comment: Arg770Arg in exon 18 of OTOG: This variant is not expected to have clinical sign ificance because it does not alter an amino acid residue and is not located with in the splice consensus sequence. It has been identified in 13.0% (26/200) of Ha n Chinese chromosomes from a broad population by the 1000 Genomes Project (dbSNP rs16934404).

Breakthrough Genomics
Classification: Benign. Review status: criteria provided, single submitter. Criteria: ACMG Guidelines, 2015. Collection method: not provided. Allele origin: germline. Inheritance: Autosomal recessive inheritance. Affected: yes.

PreventionGenetics, part of Exact Sciences
Classification: Benign for OTOG-related condition. Last evaluated: 2019-08-07. Review status: no assertion criteria provided. Collection method: clinical testing. Allele origin: germline. Not counted in ClinVar's aggregate classification.
Comment: This variant is classified as benign based on ACMG/AMP sequence variant interpretation guidelines (Richards et al. 2015 PMID: 25741868, with internal and published modifications).